The following is an entry in ClinVar:

NM_001271938.2(MEGF8):c.1797C>T (p.Ala599=)

Gene: MEGF8 (multiple EGF like domains 8; plus strand). Cytogenetic location: 19q13.2.
Variant type: single nucleotide variant.
Coding change: c.1797C>T on transcript NM_001271938.2 (MANE Select); coding-DNA position 1797, C replaced by T.
Protein change: p.Ala599=; no amino-acid change (alanine 599 retained).
Molecular consequence: synonymous variant.
Genome position (GRCh38, 1-based): chr19:42,344,449, C>T. VCF-style: chr19-42344449-C-T. GRCh37 (hg19) VCF-style: chr19-42848601-C-T.
Other names: c.1797C>T, p.Ala599= (NM_001410.3).
Identifiers: ClinVar variation 1538839 (VCV001538839.10), dbSNP rs749153853, ClinGen allele CA9474567.
Genomic context (GRCh38, chr19:42,344,449, plus strand): 5'-GATCTCTTGAGCTCCAGTTGACAGTGAGCCCTTTCCCCTCTCCTCCTCGCAGTGTCCAGC[C>T]GCCAGCTGCCTGGGCCTGGGCCGCCTCCTGGGTGACTGCCAGGCCTGCCTGGCCTTCAGC-3'
Protein context (NP_001258867.1, residues 589-609): PPGTPLGACP[Ala599=]ASCLGLGRLL

ClinVar aggregate classification (germline): Likely benign. Review status: criteria provided, multiple submitters, no conflicts (2 of 4 stars). 2 submissions from 2 submitters: Likely benign (2). Last evaluated 2026-04-01.

Conditions:
MEGF8-related Carpenter syndrome. Also called: Carpenter syndrome 2. Identifiers: Orphanet 65759, MedGen C3554247, MONDO:0013998, OMIM 614976.

gnomAD v4.1: 50 of 1,590,880 alleles (0.0031%); highest among the groups gnomAD compares: Admixed American, 0.057%; no homozygotes.

Submissions (2):

CeGaT Center for Human Genetics Tuebingen
Classification: Likely benign. Last evaluated: 2026-04-01. Review status: criteria provided, single submitter. Criteria: CeGaT Center For Human Genetics Tuebingen Variant Classification Criteria Version 2. Collection method: clinical testing. Allele origin: germline. Affected: yes. Observed: 1 variant allele.
Comment: MEGF8: BP4, BP7

Labcorp Genetics (formerly Invitae), Labcorp
Classification: Likely benign for MEGF8-related Carpenter syndrome. Last evaluated: 2024-11-10. Review status: criteria provided, single submitter. Criteria: Invitae Variant Classification Sherloc (09022015). Collection method: clinical testing. Allele origin: germline.